The following is an entry in ClinVar:

NM_017514.5(PLXNA3):c.382C>T (p.Leu128Phe)

Gene: PLXNA3 (plexin A3; plus strand). Cytogenetic location: Xq28.
Variant type: single nucleotide variant.
Coding change: c.382C>T on transcript NM_017514.5 (MANE Select); coding-DNA position 382, C replaced by T.
Protein change: p.Leu128Phe; replaces leucine 128 with phenylalanine.
Molecular consequence: missense variant.
Genome position (GRCh38, 1-based): chrX:154,460,565, C>T. VCF-style: chrX-154460565-C-T. GRCh37 (hg19) VCF-style: chrX-153688905-C-T.
Other names: short protein forms L128F.
Identifiers: ClinVar variation 5002165 (VCV005002165.1).

ClinVar aggregate classification (germline): Uncertain significance (1 of 4 stars; one submission).

Conditions:
PLXNA3-related disorder. Also called: PLXNA3-related condition.

Submission:

PreventionGenetics, part of Exact Sciences
Classification: Uncertain significance for PLXNA3-related condition. Last evaluated: 2025-05-11. Review status: criteria provided, single submitter. Criteria: ACMG Guidelines, 2015. Collection method: clinical testing. Allele origin: germline.
Comment: The PLXNA3 c.382C>T variant is predicted to result in the amino acid substitution p.Leu128Phe. To our knowledge, this variant has not been reported in the literature or in a large population database (gnomAD), indicating this variant is rare. At this time, the clinical significance of this variant is uncertain due to the absence of conclusive functional and genetic evidence.